The following is an entry in ClinVar:

NM_000179.3(MSH6):c.1383T>C (p.Phe461=)

Gene: MSH6 (mutS homolog 6; plus strand). Cytogenetic location: 2p16.3.
Variant type: single nucleotide variant.
Coding change: c.1383T>C on transcript NM_000179.3 (MANE Select); coding-DNA position 1383, T replaced by C.
Protein change: p.Phe461=; no amino-acid change (phenylalanine 461 retained).
Molecular consequence: synonymous variant.
Genome position (GRCh38, 1-based): chr2:47,799,366, T>C. VCF-style: chr2-47799366-T-C. GRCh37 (hg19) VCF-style: chr2-48026505-T-C.
Other names: c.993T>C, p.Phe331= (NM_001281492.2); c.477T>C, p.Phe159= (NM_001281493.2, NM_001281494.2).
Identifiers: ClinVar variation 710808 (VCV000710808.15), dbSNP rs1572722784, ClinGen allele CA426121124.

ClinVar aggregate classification (germline): Benign/Likely benign. Review status: criteria provided, multiple submitters, no conflicts (2 of 4 stars). 4 submissions from 4 submitters: Benign (1); Likely benign (3). Last evaluated 2025-04-23.

Conditions:
Hereditary cancer-predisposing syndrome. Also called: Tumor predisposition; Neoplastic Syndromes, Hereditary; Hereditary neoplastic syndrome; Hereditary Cancer Syndrome. Identifiers: Orphanet 140162, MedGen C0027672, MeSH D009386, MONDO:0015356.
Hereditary nonpolyposis colorectal neoplasms. Identifiers: MedGen C0009405, MeSH D003123.
Lynch syndrome 5 (LYNCH5). Also called: Colorectal cancer, hereditary nonpolyposis, type 5; Hereditary non-polyposis colorectal cancer, type 5. Identifiers: Orphanet 144, MedGen C1833477, MONDO:0013710, OMIM 614350. Disease mechanism: loss of function.

Allele frequency attached by ClinVar (database versions not stated): TOPMed below 0.00001; gnomAD 0.00001.
gnomAD v4.1: 1 of 1,614,018 alleles (0.000062%); highest among the groups gnomAD compares: African/African-American, 0.0013%; no homozygotes.

Submissions (4):

Labcorp Genetics (formerly Invitae), Labcorp
Classification: Likely benign for Hereditary nonpolyposis colorectal neoplasms. Last evaluated: 2025-04-23. Review status: criteria provided, single submitter. Criteria: Invitae Variant Classification Sherloc (09022015). Collection method: clinical testing. Allele origin: germline.

Myriad Genetics, Inc.
Classification: Benign for Lynch syndrome 5. Last evaluated: 2024-12-26. Review status: criteria provided, single submitter. Criteria: Myriad Autosomal Dominant, Autosomal Recessive and X-Linked Classification Criteria (2023). Collection method: clinical testing. Allele origin: unknown.
Comment: This variant is considered benign. This variant is a silent/synonymous amino acid change and it is not expected to impact splicing.

Blueprint Genetics
Classification: Likely benign. Last evaluated: 2023-11-22. Review status: criteria provided, single submitter. Criteria: ACMG Guidelines, 2015. Collection method: clinical testing. Allele origin: germline.

Ambry Genetics
Classification: Likely benign for Hereditary cancer-predisposing syndrome. Last evaluated: 2019-06-09. Review status: criteria provided, single submitter. Criteria: Ambry Variant Classification Scheme 2023. Collection method: clinical testing. Allele origin: germline.